The following is an entry in ClinVar:

NM_024675.4(PALB2):c.1988dup (p.Met664fs)

Gene: PALB2 (partner and localizer of BRCA2; minus strand). Cytogenetic location: 16p12.2.
Variant type: Duplication.
Coding change: c.1988dup on transcript NM_024675.4 (MANE Select); coding-DNA position 1988, one base duplicated (G; older notation c.1988dupG).
Protein change: p.Met664fs; shifts the reading frame from methionine 664.
Molecular consequence: frameshift variant.
Genome position (GRCh38, 1-based): chr16:23,630,166, C duplicated on the plus strand (G on the coding strand, the reverse complement: PALB2 is on the minus strand). VCF-style (leftmost placement, unchanged base first): chr16-23630165-G-GC. GRCh37 (hg19) VCF-style: chr16-23641486-G-GC.
Other names: c.1988dupG (NM_024675.4); short protein forms M664fs.
Identifiers: ClinVar variation 856667 (VCV000856667.20), dbSNP rs1966862297, ClinGen allele CA916081849.
Genomic context (GRCh38, chr16:23,630,165, plus strand): 5'-ATGTGATTTTCCTGGTAGAACAATAAGGTCCTCTTCTAAGTCCTCCATTTCTGTATCCAT[G>GC]CGTTTAGGACTCAGTTCCTCTGGAAAAATACAGCTTCCCTCTTTAAGATGTCTCTCTCCA-3'

ClinVar aggregate classification (germline): Pathogenic. Review status: criteria provided, multiple submitters, no conflicts (2 of 4 stars). 3 submissions from 3 submitters: Pathogenic (3). Last evaluated 2025-12-29.

Conditions:
Familial cancer of breast. Also called: hereditary breast carcinoma; BREAST CANCER, FAMILIAL; Hereditary breast cancer. Identifiers: Orphanet 227535, MedGen C0346153, MONDO:0016419, OMIM 114480. Disease mechanism: loss of function.
Hereditary cancer-predisposing syndrome. Also called: Tumor predisposition; Hereditary neoplastic syndrome; Neoplastic Syndromes, Hereditary; Hereditary Cancer Syndrome. Identifiers: Orphanet 140162, MedGen C0027672, MeSH D009386, MONDO:0015356.

Submissions (3):

Center for Genomic Medicine, Rigshospitalet, Copenhagen University Hospital
Classification: Pathogenic. Last evaluated: 2025-12-29. Review status: criteria provided, single submitter. Criteria: ACMG Guidelines, 2015. Collection method: clinical testing. Allele origin: germline.
Comment: Classification criteria: PVS1, PM2_SUP, PM5_SUP

Department of Clinical Genetics, Copenhagen University Hospital, Rigshospitalet
Classification: Pathogenic for Hereditary cancer-predisposing syndrome. Last evaluated: 2025-02-04. Review status: criteria provided, single submitter. Criteria: ACMG Guidelines, 2015. Collection method: clinical testing. Allele origin: germline.
Comment: PVS1; PM2_SUP, PM5_SUP

Labcorp Genetics (formerly Invitae), Labcorp
Classification: Pathogenic for Familial cancer of breast. Last evaluated: 2019-01-21. Review status: criteria provided, single submitter. Criteria: Invitae Variant Classification Sherloc (09022015). Collection method: clinical testing. Allele origin: germline.
Comment: For these reasons, this variant has been classified as Pathogenic. Loss-of-function variants in PALB2 are known to be pathogenic (PMID: 17200668, 24136930, 25099575). This variant has not been reported in the literature in individuals with PALB2-related conditions. This variant is not present in population databases (ExAC no frequency). This sequence change creates a premature translational stop signal (p.Met664Hisfs*51) in the PALB2 gene. It is expected to result in an absent or disrupted protein product.

Literature cited by the submitters: PubMed 17200668 (cited by Labcorp Genetics (formerly Invitae), Labcorp); PubMed 24136930 (cited by Labcorp Genetics (formerly Invitae), Labcorp); PubMed 25099575 (cited by Labcorp Genetics (formerly Invitae), Labcorp).